The following continues an entry in ClinVar:

NM_000500.9(CYP21A2):c.844G>T (p.Val282Leu)

ClinVar aggregate classification (germline): Pathogenic/Likely pathogenic. Pathogenic (31); Likely pathogenic (2).

Submissions 11 to 26 of 43:

Athena Diagnostics
Classification: Pathogenic. Last evaluated: 2024-09-18. Review status: criteria provided, single submitter. Criteria: Athena Diagnostics Criteria. Collection method: clinical testing. Allele origin: unknown.
Comment: This variant is located in a genomic region of low or unreliable sequencing quality, and therefore estimations of its population frequency are uninformative in assessment of variant pathogenicity. This variant has been reported to associate with non-classic congenital adrenal hyperplasia (CAH). This variant is also referred to as p.Val281Leu in published literature. In multiple individuals, this variant has been seen in trans with other recessive pathogenic variants in CYP21A2, suggesting this variant is also pathogenic. Assessment of experimental evidence suggests this variant results in abnormal protein function. Expression of this variant results in reduced enzymatic activity compared to wild type (PMID: 2249999, 24953648).

Molecular Genetics and NGS Laboratory, Hospital Fundacion Valle Del Lili
Classification: Pathogenic for 21-Hydroxylase-Deficient Congenital Adrenal Hyperplasia. Last evaluated: 2024-08-15. Review status: criteria provided, single submitter. Criteria: ACMG Guidelines, 2015. Collection method: clinical testing. Allele origin: germline. Affected: yes. Observed: 1 variant allele.
Comment: Combined evidence strength is Very Strong (score = 9): ClinVar classifies this variant as Pathogenic, 2 stars. backed by functional studies (PS3). Combined evidence strength is Very Strong (score = 9).Very Strong: Saphetor curators have classified this variant as Pathogenic.Supporting: LOVD classifies this variant as Pathogeni (PP5). Equivalent variant chr6:32040110 G>C (Val282Leu) is classified Pathogenic by UniProt Variants (PS1).UniProt protein CP21A_HUMAN Mutagen sequence annotations V > T: Decreased 21-hydroxylase activity. which qualifies as strong pathogenic (PM1). MetaRNN = 0.00966 is between 0.00692 and 0.108 = strong benign. Reducing to strength Supporting in view of the clinical evidence reported in PP5_Very Strong.

Genomic Medicine Center of Excellence, King Faisal Specialist Hospital and Research Centre
Classification: Likely pathogenic for 21-Hydroxylase-Deficient Congenital Adrenal Hyperplasia. Last evaluated: 2024-03-26. Review status: criteria provided, single submitter. Criteria: ACMG Guidelines, 2015. Collection method: clinical testing. Allele origin: germline.

Laboratory of Medical Genetics, National & Kapodistrian University of Athens
Classification: Pathogenic for 21-Hydroxylase-Deficient Congenital Adrenal Hyperplasia. Last evaluated: 2024-02-01. Review status: criteria provided, single submitter. Criteria: ACMG Guidelines, 2015. Collection method: curation. Allele origin: germline. Affected: no.

Victorian Clinical Genetics Services, Murdoch Childrens Research Institute
Classification: Pathogenic for 21-Hydroxylase-Deficient Congenital Adrenal Hyperplasia. Last evaluated: 2023-07-16. Review status: criteria provided, single submitter. Criteria: ACMG Guidelines, 2015. Collection method: clinical testing. Allele origin: germline. Inheritance: Autosomal recessive inheritance.
Comment: Based on the classification scheme VCGS_Germline_v1.3.4, this variant is classified as Pathogenic. Following criteria are met: 0102 - Loss of function is a known mechanism of disease in this gene and is associated with congenital adrenal hyperplasia due to 21-hydroxylase deficiency (MIM #201910) and hyperandrogenism nonclassic type, due to 21-hydroxylase deficiency (MIM #201910). (I) 0106 - This gene is associated with autosomal recessive disease. (I) 0200 - Variant is predicted to result in a missense amino acid change from valine to leucine (I) 0251 - This variant is heterozygous. (I) 0305 - Variant is present in gnomAD (v2) >=0.01 and <0.03 for a recessive condition (1504 heterozygotes, 2 homozygotes). (I) 0309 - An alternative amino acid change at the same position has been observed in gnomAD (v2) (p.(Val282Met): 3 heterozygotes, 0 homozygotes). (I) 0502 - Missense variant with conflicting in silico predictions and uninformative conservation. (I) 0600 - Variant is located in the annotated p450 domain (NCBI). (I) 0801 - This variant has strong previous evidence of pathogenicity in unrelated individuals. This variant has been classified as pathogenic by multiple clinical laboratories and has been reported in more than 500 patients, the majority of whom presented with non-classical congenital adrenal hyperplasia (ClinVar; PMID: 23359698). (SP) 1208 - Inheritance information for this variant is not currently available in this individual. (I) Legend: (SP) - Supporting pathogenic, (I) - Information, (SB) - Supporting benign

Newborn Screening Ontario, Children's Hospital of Eastern Ontario (CHEO)
Classification: Pathogenic for 21-Hydroxylase-Deficient Congenital Adrenal Hyperplasia. Last evaluated: 2023-06-05. Review status: criteria provided, single submitter. Criteria: ACMG Guidelines, 2015. Collection method: clinical testing. Allele origin: germline. Inheritance: Autosomal recessive inheritance.

Clinical Genetics Laboratory, Skane University Hospital Lund
Classification: Pathogenic. Last evaluated: 2023-04-28. Review status: criteria provided, single submitter. Criteria: ACMG Guidelines, 2015. Collection method: clinical testing. Allele origin: germline. Affected: yes.

Quest Diagnostics Nichols Institute San Juan Capistrano
Classification: Pathogenic. Last evaluated: 2023-02-28. Review status: criteria provided, single submitter. Criteria: Quest Diagnostics criteria. Collection method: clinical testing. Allele origin: unknown.
Comment: The variant has been found in at least one symptomatic individual. Functional evidence suggests that this variant may impact protein function. The variant occurs in multiple cases with a lone recessive pathogenic/likely pathogenic variant in the same gene, and have phenotype known to be consistent with disease. Based on the available information, this variant is classified as pathogenic.

AiLife Diagnostics
Classification: Pathogenic. Last evaluated: 2022-03-24. Review status: criteria provided, single submitter. Criteria: ACMG Guidelines, 2015. Collection method: clinical testing. Allele origin: germline. Affected: yes. Observed: 2 variant alleles.

Dasa
Classification: Pathogenic for 21-Hydroxylase-Deficient Congenital Adrenal Hyperplasia. Last evaluated: 2022-01-05. Review status: criteria provided, single submitter. Criteria: ACMG Guidelines, 2015. Collection method: clinical testing. Allele origin: germline. Affected: yes. Observed: 3 variant alleles.
Comment: The c.844G>T;p.(Val282Leu) missense variant has been observed in affected individual(s) and ClinVar contains an entry for this variant (ClinVar ID: 12151; OMIM: 613815.0002; OMIM: 613815.0033; PMID: 20301350; 2788081; 3260007; 1496017; 7635470; 1985465; 9661649; 8081391;25356970; 20301350; 23359698) - PS4. Same amino acid change as a previously established pathogenic variant regardless of nucleotide change(ClinVar ID: 65610, PMID: 20301350) - PS1. The p.(Val282Leu) was detected in trans with a pathogenic variant (PMID: 23359698; 24953648; 25041270; 20301350; 28359061) - PM3_strong. and allele frequency is greater than expected for disorder -BS1. In summary, the currently available evidence indicates that the variant is pathogenic.

Women's Health and Genetics/Laboratory Corporation of America, LabCorp
Classification: Pathogenic for Congenital adrenal hyperplasia. Last evaluated: 2021-12-14. Review status: criteria provided, single submitter. Criteria: LabCorp Variant Classification Summary - May 2015. Collection method: clinical testing. Allele origin: germline.
Comment: Variant summary: CYP21A2 c.844G>T (p.Val282Leu) results in a conservative amino acid change in the encoded protein sequence. Three of five in-silico tools predict a benign effect of the variant on protein function. The variant allele was found at a frequency of 0.0053 in 242232 control chromosomes in the gnomAD database, including 2 homozygotes. c.844G>T has been reported in the literature in multiple individuals affected with Congenital Adrenal Hyperplasia (e.g. Barbat_1995, Marino_2020). These data indicate that the variant is very likely to be associated with disease. At least one publication reports experimental evidence evaluating an impact on protein function. The most pronounced variant effect results in 30%-50% of normal activity (White_2000). Twelve clinical diagnostic laboratories have submitted clinical-significance assessments for this variant to ClinVar after 2014 without evidence for independent evaluation. All laboratories classified the variant as pathogenic. Based on the evidence outlined above, the variant was classified as pathogenic.

GeneDx
Classification: Pathogenic. Last evaluated: 2021-02-18. Review status: criteria provided, single submitter. Criteria: GeneDx Variant Classification Process June 2021. Collection method: clinical testing. Allele origin: germline. Affected: yes.
Comment: In silico analysis supports that this missense variant does not alter protein structure/function; This variant is associated with the following publications: (PMID: 10408786, 12038604, 10908170, 32714392, 31980526, 31586465, 28644547, 31605362, 31159521, 31344365, 31446012, 29525066, 30487145, 30656636, 29412390, 30609409, 25970792, 23359698, 3260007, 1864962, 26804566, 2249999, 27785393, 25481255, 25538881, 23359706, 21646730, 14513879, 20661889, 24953648, 30968594)

Myriad Genetics, Inc.
Classification: Pathogenic for 21-Hydroxylase-Deficient Congenital Adrenal Hyperplasia. Last evaluated: 2019-12-26. Review status: criteria provided, single submitter. Criteria: Myriad Women's Health Autosomal Recessive and X-Linked Classification Criteria (2019). Collection method: clinical testing. Allele origin: unknown.
Comment: NM_000500.7(CYP21A2):c.844G>T(V282L, aka V281L) is classified as pathogenic in the context of congenital adrenal hyperplasia and is associated with the non-classic form of the disease. Sources cited for classification include the following: PMID 20661889, 14513879, 23359698, 20926536, 1644925, 1864962 and 2249999. Classification of NM_000500.7(CYP21A2):c.844G>T(V282L, aka V281L) is based on the following criteria: This is a well-established pathogenic variant in the literature that has been observed more frequently in patients with clinical diagnoses than in healthy populations. Please note: this variant was assessed in the context of healthy population screening.

Mendelics
Classification: Pathogenic for 21-Hydroxylase-Deficient Congenital Adrenal Hyperplasia. Last evaluated: 2019-05-28. Review status: criteria provided, single submitter. Criteria: Mendelics Assertion Criteria 2017. Collection method: clinical testing. Allele origin: unknown.

Eurofins Ntd Llc (ga)
Classification: Pathogenic. Last evaluated: 2018-04-23. Review status: criteria provided, single submitter. Criteria: EGL ClinVar v180209 classification definitions. Collection method: clinical testing. Allele origin: germline. Observed: 10 variant alleles, 6 heterozygotes, 2 homozygotes.

Institute of Human Genetics Munich, TUM University Hospital
Classification: Pathogenic for 21-Hydroxylase-Deficient Congenital Adrenal Hyperplasia. Last evaluated: 2017-10-26. Review status: criteria provided, single submitter. Criteria: Classification criteria August 2017. Collection method: clinical testing. Allele origin: maternal. Inheritance: Autosomal recessive inheritance. Affected: yes. Observed: 1 compound heterozygote.